The following is an entry in ClinVar:

ClinVar aggregate classification (germline): Likely pathogenic (1 of 4 stars; one submission).

Submission:

Labcorp Genetics (formerly Invitae), Labcorp
Classification: Likely pathogenic. Last evaluated: 2022-11-30. Review status: criteria provided, single submitter. Criteria: Invitae Variant Classification Sherloc (09022015). Collection method: clinical testing. Allele origin: germline.
Comment: In summary, the currently available evidence indicates that the variant is pathogenic, but additional data are needed to prove that conclusively. Therefore, this variant has been classified as Likely Pathogenic. This variant disrupts the p.Cys3294 amino acid residue in USH2A. Other variant(s) that disrupt this residue have been determined to be pathogenic (PMID: 24043777, 28041643, 28130426). This suggests that this residue is clinically significant, and that variants that disrupt this residue are likely to be disease-causing. Advanced modeling of protein sequence and biophysical properties (such as structural, functional, and spatial information, amino acid conservation, physicochemical variation, residue mobility, and thermodynamic stability) performed at Invitae indicates that this missense variant is expected to disrupt USH2A protein function. ClinVar contains an entry for this variant (Variation ID: 1518640). This variant has not been reported in the literature in individuals affected with USH2A-related conditions. This variant is not present in population databases (gnomAD no frequency). This sequence change replaces cysteine, which is neutral and slightly polar, with phenylalanine, which is neutral and non-polar, at codon 3294 of the USH2A protein (p.Cys3294Phe).

Literature cited by the submitters: PubMed 24043777; PubMed 28041643; PubMed 28130426.

NM_206933.4(USH2A):c.9881G>T (p.Cys3294Phe)

Gene: USH2A (usherin; minus strand). Cytogenetic location: 1q41.
Variant type: single nucleotide variant.
Coding change: c.9881G>T on transcript NM_206933.4 (MANE Select); coding-DNA position 9881, G replaced by T.
Protein change: p.Cys3294Phe; replaces cysteine 3294 with phenylalanine.
Molecular consequence: missense variant.
Genome position (GRCh38, 1-based): chr1:215,798,984, C>A on the plus strand (G>T on the coding strand, the complement: USH2A is on the minus strand). VCF-style: chr1-215798984-C-A. GRCh37 (hg19) VCF-style: chr1-215972326-C-A.
Other names: short protein forms C3294F.
Identifiers: ClinVar variation 1518640 (VCV001518640.6), dbSNP rs2102778597, ClinGen allele CA344848876.
Genomic context (GRCh38, chr1:215,798,984, plus strand): 5'-ACCACTCCTTCTTCTCCACCACAACACTCTAAATCGTTGCTCACAATCTGTCTGCCACAG[C>A]ACTTCTGGCCATGGCCATCATGAAGCCTCCCAGCACAGCAAATCTGGTTTCCTGAGGTGG-3'
Protein context (NP_996816.3, residues 3284-3304): GRLHDGHGQK[Cys3294Phe]CGRQIVSNDL